The following is an entry in ClinVar:

ClinVar aggregate classification (germline): Uncertain significance (1 of 4 stars; one submission).

Submission:

Labcorp Genetics (formerly Invitae), Labcorp
Classification: Uncertain significance. Last evaluated: 2021-03-31. Review status: criteria provided, single submitter. Criteria: Invitae Variant Classification Sherloc (09022015). Collection method: clinical testing. Allele origin: germline.
Comment: This sequence change creates a premature translational stop signal (p.Ser1219*) in the ERBIN gene. It is expected to result in an absent or disrupted protein product. However, the current clinical and genetic evidence is not sufficient to establish whether loss-of-function variants in ERBIN cause disease. In summary, the available evidence is currently insufficient to determine the role of this variant in disease. Therefore, it has been classified as a Variant of Uncertain Significance. This variant has not been reported in the literature in individuals with ERBIN-related conditions. The frequency data for this variant in the population databases is considered unreliable, as metrics indicate insufficient coverage at this position in the ExAC database.

NM_001253697.2(ERBIN):c.3656C>G (p.Ser1219Ter)

Gene: ERBIN (erbb2 interacting protein; plus strand). Cytogenetic location: 5q12.3.
Variant type: single nucleotide variant.
Coding change: c.3656C>G on transcript NM_001253697.2 (MANE Select); coding-DNA position 3656, C replaced by G.
Protein change: p.Ser1219Ter; replaces serine 1219 with a stop codon.
Molecular consequence: nonsense. On other transcripts: intron variant (5).
Genome position (GRCh38, 1-based): chr5:66,072,191, C>G. VCF-style: chr5-66072191-C-G. GRCh37 (hg19) VCF-style: chr5-65368019-C-G.
Other names: c.3778-2833C>G (NM_001253699.2); c.3634-2833C>G (NM_018695.4, NM_001253698.2); c.3634-4125C>G (NM_001006600.3); c.3622-2833C>G (NM_001253701.2); short protein forms S1219*.
Identifiers: ClinVar variation 1418338 (VCV001418338.6), dbSNP rs2151299433, ClinGen allele CA359870650.